The following is an entry in ClinVar:

ClinVar aggregate classification (germline): Uncertain significance (1 of 4 stars; one submission).

Conditions:
Cardiovascular phenotype. Identifiers: MedGen CN230736.

Submission:

Ambry Genetics
Classification: Uncertain significance for Cardiovascular phenotype. Last evaluated: 2024-09-20. Review status: criteria provided, single submitter. Criteria: Ambry Variant Classification Scheme 2023. Collection method: clinical testing. Allele origin: germline.
Comment: The p.Q232L variant (also known as c.695A>T), located in coding exon 8 of the TRDN gene, results from an A to T substitution at nucleotide position 695. The glutamine at codon 232 is replaced by leucine, an amino acid with dissimilar properties. This amino acid position is conserved. In addition, this alteration is predicted to be tolerated by in silico analysis. Based on the available evidence, the clinical significance of this variant remains unclear.

NM_006073.4(TRDN):c.695A>T (p.Gln232Leu)

Gene: TRDN (triadin; minus strand). Cytogenetic location: 6q22.31.
Variant type: single nucleotide variant.
Coding change: c.695A>T on transcript NM_006073.4 (MANE Select); coding-DNA position 695, A replaced by T.
Protein change: p.Gln232Leu; replaces glutamine 232 with leucine.
Molecular consequence: missense variant.
Genome position (GRCh38, 1-based): chr6:123,503,817, T>A on the plus strand (A>T on the coding strand, the complement: TRDN is on the minus strand). VCF-style: chr6-123503817-T-A. GRCh37 (hg19) VCF-style: chr6-123824962-T-A.
Other names: c.695A>T, p.Gln232Leu (NM_001251987.2, NM_001256020.2, NM_001256021.2 and 1 more transcripts); short protein forms Q232L.
Identifiers: ClinVar variation 3461000 (VCV003461000.1).